The following is an entry in ClinVar:

NM_000352.6(ABCC8):c.84G>A (p.Val28=)

Gene: ABCC8 (ATP binding cassette subfamily C member 8; minus strand). Cytogenetic location: 11p15.1.
Variant type: single nucleotide variant.
Coding change: c.84G>A on transcript NM_000352.6 (MANE Select); coding-DNA position 84, G replaced by A.
Protein change: p.Val28=; no amino-acid change (valine 28 retained).
Molecular consequence: synonymous variant. On other transcripts: non-coding transcript variant (1).
Genome position (GRCh38, 1-based): chr11:17,476,693, C>T on the plus strand (G>A on the coding strand, the complement: ABCC8 is on the minus strand). VCF-style: chr11-17476693-C-T. GRCh37 (hg19) VCF-style: chr11-17498240-C-T.
Other names: c.84G>A, p.Val28= (NM_001287174.3, NM_001351295.2, NM_001351296.2 and 1 more transcripts).
Identifiers: ClinVar variation 2641645 (VCV002641645.25), dbSNP rs1253284091, ClinGen allele CA473302242.

ClinVar aggregate classification (germline): Conflicting classifications of pathogenicity. Review status: criteria provided, conflicting classifications (1 of 4 stars). 2 submissions from 2 submitters: Uncertain significance (1); Likely benign (1). Last evaluated 2023-03-18.

Allele frequency attached by ClinVar (database versions not stated): gnomAD 0.00001; gnomAD exomes 0.00001.
gnomAD v4.1: 4 of 1,611,280 alleles (0.00025%); highest among the groups gnomAD compares: Admixed American, 0.0067%; no homozygotes.

Submissions (2):

Labcorp Genetics (formerly Invitae), Labcorp
Classification: Uncertain significance. Last evaluated: 2023-03-18. Review status: criteria provided, single submitter. Criteria: Invitae Variant Classification Sherloc (09022015). Collection method: clinical testing. Allele origin: germline.
Comment: This variant has not been reported in the literature in individuals affected with ABCC8-related conditions. This variant is present in population databases (no rsID available, gnomAD 0.006%). This sequence change replaces valine, which is neutral and non-polar, with valine, which is neutral and non-polar, at codon 28 of the ABCC8 protein (Silent). Algorithms developed to predict the effect of sequence changes on RNA splicing suggest that this variant is not likely to affect RNA splicing. In summary, the available evidence is currently insufficient to determine the role of this variant in disease. Therefore, it has been classified as a Variant of Uncertain Significance.

CeGaT Center for Human Genetics Tuebingen
Classification: Likely benign. Last evaluated: 2022-12-01. Review status: criteria provided, single submitter. Criteria: CeGaT Center For Human Genetics Tuebingen Variant Classification Criteria Version 2. Collection method: clinical testing. Allele origin: germline. Affected: yes. Observed: 1 variant allele.
Comment: ABCC8: BP4